The following is an entry in ClinVar:

ClinVar aggregate classification (germline): Pathogenic (1 of 4 stars; one submission).

gnomAD v4.1: 2 of 1,613,780 alleles (0.00012%); highest among the groups gnomAD compares: Non-Finnish European, 0.00017%; no homozygotes.

Submission:

Labcorp Genetics (formerly Invitae), Labcorp
Classification: Pathogenic. Last evaluated: 2024-02-14. Review status: criteria provided, single submitter. Criteria: Invitae Variant Classification Sherloc (09022015). Collection method: clinical testing. Allele origin: germline.
Comment: This sequence change creates a premature translational stop signal (p.Glu684*) in the MCM3AP gene. It is expected to result in an absent or disrupted protein product. Loss-of-function variants in MCM3AP are known to be pathogenic (PMID: 28633435). This variant is not present in population databases (gnomAD no frequency). This variant has not been reported in the literature in individuals affected with MCM3AP-related conditions. For these reasons, this variant has been classified as Pathogenic.

Literature cited by the submitters: PubMed 28633435.

NM_003906.5(MCM3AP):c.2050G>T (p.Glu684Ter)

Gene: MCM3AP (minichromosome maintenance complex component 3 associated protein; minus strand). Cytogenetic location: 21q22.3.
Variant type: single nucleotide variant.
Coding change: c.2050G>T on transcript NM_003906.5 (MANE Select); coding-DNA position 2050, G replaced by T.
Protein change: p.Glu684Ter; replaces glutamic acid 684 with a stop codon.
Molecular consequence: nonsense.
Genome position (GRCh38, 1-based): chr21:46,273,534, C>A on the plus strand (G>T on the coding strand, the complement: MCM3AP is on the minus strand). VCF-style: chr21-46273534-C-A. GRCh37 (hg19) VCF-style: chr21-47693448-C-A.
Other names: short protein forms E684*.
Identifiers: ClinVar variation 3640699 (VCV003640699.2).